The following is an entry in ClinVar:

ClinVar aggregate classification (germline): Uncertain significance (1 of 4 stars; one submission).

Submission:

CeGaT Center for Human Genetics Tuebingen
Classification: Uncertain significance. Last evaluated: 2025-10-01. Review status: criteria provided, single submitter. Criteria: CeGaT Center For Human Genetics Tuebingen Variant Classification Criteria Version 2. Collection method: clinical testing. Allele origin: germline. Affected: yes. Observed: 1 variant allele.
Comment: PCNT: PM2, BP4

NM_006031.6(PCNT):c.5864C>T (p.Ala1955Val)

Gene: PCNT (pericentrin; plus strand). Cytogenetic location: 21q22.3.
Variant type: single nucleotide variant.
Coding change: c.5864C>T on transcript NM_006031.6 (MANE Select); coding-DNA position 5864, C replaced by T.
Protein change: p.Ala1955Val; replaces alanine 1955 with valine.
Molecular consequence: missense variant.
Genome position (GRCh38, 1-based): chr21:46,411,937, C>T. VCF-style: chr21-46411937-C-T. GRCh37 (hg19) VCF-style: chr21-47831851-C-T.
Other names: c.5510C>T, p.Ala1837Val (NM_001315529.2); short protein forms A1837V, A1955V.
Identifiers: ClinVar variation 3772577 (VCV003772577.13).